The following is an entry in ClinVar:

ClinVar aggregate classification (germline): Conflicting classifications of pathogenicity. Review status: criteria provided, conflicting classifications (1 of 4 stars). 2 submissions from 2 submitters: Uncertain significance (1); Benign (1). Last evaluated 2024-05-07.

Submissions (2):

Labcorp Genetics (formerly Invitae), Labcorp
Classification: Uncertain significance. Last evaluated: 2024-05-07. Review status: criteria provided, single submitter. Criteria: Invitae Variant Classification Sherloc (09022015). Collection method: clinical testing. Allele origin: germline.
Comment: This sequence change replaces alanine, which is neutral and non-polar, with aspartic acid, which is acidic and polar, at codon 969 of the TOPORS protein (p.Ala969Asp). This variant is present in population databases (rs760354001, gnomAD 0.03%). This variant has not been reported in the literature in individuals affected with TOPORS-related conditions. Experimental studies and prediction algorithms are not available or were not evaluated, and the functional significance of this variant is currently unknown. In summary, the available evidence is currently insufficient to determine the role of this variant in disease. Therefore, it has been classified as a Variant of Uncertain Significance.

Blueprint Genetics
Classification: Benign. Last evaluated: 2024-02-12. Review status: criteria provided, single submitter. Criteria: ACMG Guidelines, 2015. Collection method: clinical testing. Allele origin: germline.

NM_005802.5(TOPORS):c.2906C>A (p.Ala969Asp)

Gene: TOPORS (TOP1 binding arginine/serine rich protein, E3 ubiquitin ligase; minus strand). Cytogenetic location: 9p21.1.
Variant type: single nucleotide variant.
Coding change: c.2906C>A on transcript NM_005802.5 (MANE Select); coding-DNA position 2906, C replaced by A.
Protein change: p.Ala969Asp; replaces alanine 969 with aspartic acid.
Molecular consequence: missense variant.
Genome position (GRCh38, 1-based): chr9:32,541,619, G>T on the plus strand (C>A on the coding strand, the complement: TOPORS is on the minus strand). VCF-style: chr9-32541619-G-T. GRCh37 (hg19) VCF-style: chr9-32541617-G-T.
Other names: c.2711C>A, p.Ala904Asp (NM_001195622.2); short protein forms A904D, A969D.
Identifiers: ClinVar variation 3604076 (VCV003604076.3).